The following continues an entry in ClinVar:

NM_000360.4(TH):c.605G>A (p.Arg202His)

Gene: TH. ClinVar aggregate classification (germline): Pathogenic. Pathogenic (19).

Submissions 12 to 23 of 23:

Centre for Mendelian Genomics, University Medical Centre Ljubljana
Classification: Pathogenic for TH-deficient dopa-responsive dystonia. Last evaluated: 2020-02-12. Review status: criteria provided, single submitter. Criteria: ACMG Guidelines, 2015. Collection method: clinical testing. Allele origin: unknown. Affected: yes.
Comment: This variant was classified as: Pathogenic. The following ACMG criteria were applied in classifying this variant: PS3,PS4_MOD,PM2,PP2,PP3.

Myriad Genetics, Inc.
Classification: Pathogenic for TH-deficient dopa-responsive dystonia. Last evaluated: 2019-12-19. Review status: criteria provided, single submitter. Criteria: Myriad Women's Health Autosomal Recessive and X-Linked Classification Criteria (2019). Collection method: clinical testing. Allele origin: unknown.
Comment: NM_199292.2(TH):c.698G>A(R233H) is classified as pathogenic in the context of tyrosine hydroxylase deficiency. Sources cited for classification include the following: PMID 20430833, 9703425 and 24753243. Classification of NM_199292.2(TH):c.698G>A(R233H) is based on the following criteria: This is a well-established pathogenic variant in the literature that has been observed more frequently in patients with clinical diagnoses than in healthy populations. Please note: this variant was assessed in the context of healthy population screening.

Illumina Laboratory Services, Illumina
Classification: Pathogenic for TH-deficient dopa-responsive dystonia. Last evaluated: 2018-08-14. Review status: criteria provided, single submitter. Criteria: ICSL Variant Classification Criteria 09 May 2019. Collection method: clinical testing. Allele origin: germline.
Comment: The TH c.605G>A (p.Arg202His) missense variant, also referred to as p.Arg233His, has been reported in at least five studies in which it is reported in eight homozygotes, including two siblings (van den Heuvel et al. 1998; Najmabadi et al. 2011; Tan et al. 2014; Molero-Luis et al. 2013). Phenotypes of the individuals carrying the variant include L-DOPA-responsive dystonia (DRD), intellectual disability, unexplained dystonia without intellectual disability, and neurological disorders (van den Heuvel et al. 1998; Najmabadi et al. 2011; Tan et al. 2014; Molero-Luis et al. 2013). One homozygote with autosomal recessive intellectual disability identified in Najmabadi et al. (2011), also carried homozygous variants in seven other genes. The p.Arg202His variant was absent from 350 controls and is reported at a frequency of 0.000374 in the East Asian population of the Genome Aggregation Database. Fossbakk et al. (2014) performed thermal and kinetic analysis in E. coli and found that thermal stability was slightly reduced and residual activity of the variant protein was 14% of wild type. Based on the evidence, the p.Arg202His variant is classified as pathogenic for tyrosine hydroxylase deficiency. This variant was observed by ICSL as part of a predisposition screen in an ostensibly healthy population.

Institute of Human Genetics Munich, TUM University Hospital
Classification: Pathogenic for TH-deficient dopa-responsive dystonia. Last evaluated: 2018-01-16. Review status: criteria provided, single submitter. Criteria: Classification criteria August 2017. Collection method: clinical testing. Allele origin: paternal. Inheritance: Autosomal recessive inheritance. Affected: yes. Observed: 1 compound heterozygote.

Eurofins Ntd Llc (ga)
Classification: Pathogenic. Last evaluated: 2016-11-22. Review status: criteria provided, single submitter. Criteria: EGL Classification Definitions 2015. Collection method: clinical testing. Allele origin: germline. Observed: 1 variant allele, 1 heterozygote.

Juno Genomics, Hangzhou Juno Genomics, Inc
Classification: Pathogenic for TH-deficient dopa-responsive dystonia. Review status: criteria provided, single submitter. Criteria: ACMG Guidelines, 2015. Collection method: clinical testing. Allele origin: germline.
Comment: Absent from controls (or at extremely low frequency if recessive) in Genome Aggregation Database.;Well-established in vitro or in vivo functional studies supportive of a damaging effect on the gene or gene product.;For recessive disorders, detected in trans with a pathogenic variant.;Patient's phenotype or family history is highly specific for a disease with a single genetic etiology.

Kariminejad - Najmabadi Pathology & Genetics Center
Classification: Pathogenic for TH-deficient dopa-responsive dystonia. Review status: criteria provided, single submitter. Criteria: ACMG Guidelines, 2015. Collection method: clinical testing. Allele origin: germline. Affected: no.

Laboratory Cellgenetics, GMDL Cellgenetics
Classification: Pathogenic for TH-deficient dopa-responsive dystonia. Review status: criteria provided, single submitter. Criteria: ACMG Guidelines, 2015. Collection method: clinical testing. Allele origin: maternal, unknown. Inheritance: Autosomal recessive inheritance. Affected: yes.
Comment: The following ACMG criteria were applied in classifying this variant: PS3,PS4_MOD,PM2,PP2,PP3. The variant was detected in compound heterozygous state with the variant c.614T>C (p.Leu205Pro).

Center for Molecular Medicine, Children’s Hospital of Fudan University
Classification: Pathogenic for TH-deficient dopa-responsive dystonia. Last evaluated: 2022-02-08. Review status: no assertion criteria provided. Collection method: clinical testing. Allele origin: maternal. Affected: yes. Not counted in ClinVar's aggregate classification.

SingHealth Duke-NUS Institute of Precision Medicine
Classification: Pathogenic for TH-deficient dopa-responsive dystonia. Last evaluated: 2017-06-07. Review status: no assertion criteria provided. Collection method: curation. Allele origin: germline. Affected: no. Not counted in ClinVar's aggregate classification.

OMIM
Classification: Pathogenic for SEGAWA SYNDROME, AUTOSOMAL RECESSIVE. Last evaluated: 1999-06-01. Review status: no assertion criteria provided. Collection method: literature only. Allele origin: germline. Not counted in ClinVar's aggregate classification.

GeneReviews
No classification provided. Condition: TH-deficient dopa-responsive dystonia. Review status: no classification provided. Collection method: literature only. Allele origin: germline. Not counted in ClinVar's aggregate classification.
Comment: Founder variant in Dutch population

Literature cited by the submitters: PubMed 9703425 (cited by 10 submitters); PubMed 10407773 (cited by Labcorp Genetics (formerly Invitae), Labcorp and OMIM); PubMed 20430833 (cited by 5 submitters); PubMed 20823027 (cited by Labcorp Genetics (formerly Invitae), Labcorp and 3billion); PubMed 20492352 (cited by Labcorp Genetics (formerly Invitae), Labcorp); PubMed 24753243 (cited by 7 submitters); PubMed 26276013 (cited by Labcorp Genetics (formerly Invitae), Labcorp and 3billion); PubMed 27973928 (cited by Victorian Clinical Genetics Services, Murdoch Childrens Research Institute); PubMed 22264700 (cited by Natera, Inc.); PubMed 25224241 (cited by Illumina Laboratory Services, Illumina); PubMed 21937992 (cited by Illumina Laboratory Services, Illumina); PubMed 23480488 (cited by Illumina Laboratory Services, Illumina); PubMed 9732974 (cited by OMIM); PubMed 20301610 (cited by GeneReviews).